The following is an entry in ClinVar:

ClinVar aggregate classification (germline): Conflicting classifications of pathogenicity. Review status: criteria provided, conflicting classifications (1 of 4 stars). 3 submissions from 3 submitters: Uncertain significance (1); Likely benign (1). 1 of the submissions does not count toward it. Last evaluated 2025-08-05.

Conditions:
CFAP251-related disorder. Also called: CFAP251-related condition.

Allele frequency attached by ClinVar (database versions not stated): ESP Exome Variant Server 0.00034; TOPMed 0.00041; gnomAD 0.00050; gnomAD exomes 0.00064; ExAC 0.00110; 1000 Genomes Project 30x 0.00172; 1000 Genomes Project 0.00180.
gnomAD v4.1: 1,000 of 1,564,838 alleles (0.064%); highest among the groups gnomAD compares: South Asian, 0.53%; 9 homozygotes.

Submissions (3):

Ambry Genetics
Classification: Uncertain significance. Last evaluated: 2025-08-05. Review status: criteria provided, single submitter. Criteria: Ambry Variant Classification Scheme 2023. Collection method: clinical testing. Allele origin: germline.

Blueprint Genetics
Classification: Likely benign. Last evaluated: 2024-11-20. Review status: criteria provided, single submitter. Criteria: ACMG Guidelines, 2015. Collection method: clinical testing. Allele origin: germline.

PreventionGenetics, part of Exact Sciences
Classification: Likely benign for CFAP251-related condition. Last evaluated: 2023-03-10. Review status: no assertion criteria provided. Collection method: clinical testing. Allele origin: germline. Not counted in ClinVar's aggregate classification.
Comment: This variant is classified as likely benign based on ACMG/AMP sequence variant interpretation guidelines (Richards et al. 2015 PMID: 25741868, with internal and published modifications).

NM_144668.6(CFAP251):c.1268G>T (p.Trp423Leu)

Gene: CFAP251 (cilia and flagella associated protein 251; plus strand). Cytogenetic location: 12q24.31.
Variant type: single nucleotide variant.
Coding change: c.1268G>T on transcript NM_144668.6 (MANE Select); coding-DNA position 1268, G replaced by T.
Protein change: p.Trp423Leu; replaces tryptophan 423 with leucine.
Molecular consequence: missense variant.
Genome position (GRCh38, 1-based): chr12:121,949,060, G>T. VCF-style: chr12-121949060-G-T. GRCh37 (hg19) VCF-style: chr12-122386966-G-T.
Other names: c.1268G>T, p.Trp423Leu (NM_001178003.2); short protein forms W423L.
Identifiers: ClinVar variation 3043232 (VCV003043232.4), dbSNP rs151062299, ClinGen allele CA6840567.